The following is an entry in ClinVar:

ClinVar aggregate classification (germline): Pathogenic (1 of 4 stars; one submission).

Conditions:
Wolman disease (WOLD). Also called: Infantile-Onset LAL-D (Wolman Disease); LIPA DEFICIENCY, COMPLETE; LAL DEFICIENCY, COMPLETE; CHOLESTEROL ESTER HYDROLASE DEFICIENCY, COMPLETE; Acid cholesteryl ester hydrolase deficiency, Wolman type; Acid lipase disease. Identifiers: Orphanet 75233, MedGen C0043208, MONDO:0019148, OMIM 620151.

Submission:

Labcorp Genetics (formerly Invitae), Labcorp
Classification: Pathogenic for Wolman disease. Last evaluated: 2023-07-24. Review status: criteria provided, single submitter. Criteria: Invitae Variant Classification Sherloc (09022015). Collection method: clinical testing. Allele origin: germline.
Comment: For these reasons, this variant has been classified as Pathogenic. This variant has not been reported in the literature in individuals affected with LIPA-related conditions. This variant is not present in population databases (gnomAD no frequency). This sequence change creates a premature translational stop signal (p.Thr27Aspfs*6) in the LIPA gene. It is expected to result in an absent or disrupted protein product. Loss-of-function variants in LIPA are known to be pathogenic (PMID: 23485521).

Literature cited by the submitters: PubMed 23485521.

NM_000235.4(LIPA):c.78dup (p.Thr27fs)

Gene: LIPA (lipase A, lysosomal acid type; minus strand). Cytogenetic location: 10q23.31.
Variant type: Duplication.
Coding change: c.78dup on transcript NM_000235.4 (MANE Select); coding-DNA position 78, one base duplicated (G; older notation c.78dupG).
Protein change: p.Thr27fs; shifts the reading frame from threonine 27.
Molecular consequence: frameshift variant. On other transcripts: intron variant (1).
Genome position (GRCh38, 1-based): chr10:89,247,571, C duplicated on the plus strand (G on the coding strand, the reverse complement: LIPA is on the minus strand). VCF-style (leftmost placement, unchanged base first): chr10-89247570-T-TC. GRCh37 (hg19) VCF-style: chr10-91007327-T-TC.
Other names: c.78dup, p.Thr27fs (NM_001127605.3); c.-120+4166dup (NM_001288979.2); short protein forms T27fs.
Identifiers: ClinVar variation 2746123 (VCV002746123.3), dbSNP rs2495648387, ClinGen allele CA2697558649.
Genomic context (GRCh38, chr10:89,247,570, plus strand): 5'-TAAAAGTACATAACTTTGAGAAACTTACCACATTCATGTTTGTTTCAGGATCCACAGCTG[T>TC]CAGTTTCCCTCCAGACCCCTCAGAATGCAGGGTCCAGAGAACCAAACAGACCACCAACCC-3'